The following is an entry in ClinVar:

ClinVar aggregate classification (germline): Uncertain significance (1 of 4 stars; one submission).

Conditions:
Hereditary nonpolyposis colorectal neoplasms. Identifiers: MedGen C0009405, MeSH D003123.

gnomAD v4.1: 3 of 1,614,024 alleles (0.00019%); highest among the groups gnomAD compares: Non-Finnish European, 0.00017%; no homozygotes.

Submission:

Labcorp Genetics (formerly Invitae), Labcorp
Classification: Uncertain significance for Hereditary nonpolyposis colorectal neoplasms. Last evaluated: 2024-07-27. Review status: criteria provided, single submitter. Criteria: Invitae Variant Classification Sherloc (09022015). Collection method: clinical testing. Allele origin: germline.
Comment: This sequence change replaces proline, which is neutral and non-polar, with alanine, which is neutral and non-polar, at codon 267 of the MSH6 protein (p.Pro267Ala). The frequency data for this variant in the population databases is considered unreliable, as metrics indicate poor data quality at this position in the gnomAD database. This variant has not been reported in the literature in individuals affected with MSH6-related conditions. ClinVar contains an entry for this variant (Variation ID: 852833). Advanced modeling of protein sequence and biophysical properties (such as structural, functional, and spatial information, amino acid conservation, physicochemical variation, residue mobility, and thermodynamic stability) performed at Invitae indicates that this missense variant is not expected to disrupt MSH6 protein function with a negative predictive value of 95%. In summary, the available evidence is currently insufficient to determine the role of this variant in disease. Therefore, it has been classified as a Variant of Uncertain Significance.

NM_000179.3(MSH6):c.799C>G (p.Pro267Ala)

Gene: MSH6 (mutS homolog 6; plus strand). Cytogenetic location: 2p16.3.
Variant type: single nucleotide variant.
Coding change: c.799C>G on transcript NM_000179.3 (MANE Select); coding-DNA position 799, C replaced by G.
Protein change: p.Pro267Ala; replaces proline 267 with alanine.
Molecular consequence: missense variant. On other transcripts: 5 prime UTR variant (2).
Genome position (GRCh38, 1-based): chr2:47,798,782, C>G. VCF-style: chr2-47798782-C-G. GRCh37 (hg19) VCF-style: chr2-48025921-C-G.
Other names: c.409C>G, p.Pro137Ala (NM_001281492.2); c.-108C>G (NM_001281493.2, NM_001281494.2); short protein forms P137A, P267A.
Identifiers: ClinVar variation 852833 (VCV000852833.10), dbSNP rs1301670893, ClinGen allele CA346740326.